The following is an entry in ClinVar:

NM_001001957.2(OR2W3):c.176T>C (p.Met59Thr)

Gene: OR2W3 (olfactory receptor family 2 subfamily W member 3; plus strand). Cytogenetic location: 1q44.
Variant type: single nucleotide variant.
Coding change: c.176T>C on transcript NM_001001957.2 (MANE Select); coding-DNA position 176, T replaced by C.
Protein change: p.Met59Thr; replaces methionine 59 with threonine.
Molecular consequence: missense variant.
Genome position (GRCh38, 1-based): chr1:247,895,762, T>C. VCF-style: chr1-247895762-T-C. GRCh37 (hg19) VCF-style: chr1-248059064-T-C.
Other names: short protein forms M59T.
Identifiers: ClinVar variation 4737875 (VCV004737875.1).

ClinVar aggregate classification (germline): Uncertain significance (1 of 4 stars; one submission).

gnomAD v4.1: 14 of 1,613,850 alleles (0.00087%); highest among the groups gnomAD compares: East Asian, 0.0022%; no homozygotes.

Submission:

Labcorp Genetics (formerly Invitae), Labcorp
Classification: Uncertain significance. Last evaluated: 2025-11-01. Review status: criteria provided, single submitter. Criteria: Invitae Variant Classification Sherloc (09022015). Collection method: clinical testing. Allele origin: germline.
Comment: This sequence change replaces methionine, which is neutral and non-polar, with threonine, which is neutral and polar, at codon 59 of the OR2W3 protein (p.Met59Thr). This variant is present in population databases (rs764205185, gnomAD 0.003%). This variant has not been reported in the literature in individuals affected with OR2W3-related conditions. An algorithm developed to predict the effect of missense changes on protein structure and function (PolyPhen-2) suggests that this variant is likely to be disruptive. In summary, the available evidence is currently insufficient to determine the role of this variant in disease. Therefore, it has been classified as a Variant of Uncertain Significance.